The following is an entry in ClinVar:

ClinVar aggregate classification (germline): Conflicting classifications of pathogenicity. Review status: criteria provided, conflicting classifications (1 of 4 stars). 2 submissions from 2 submitters: Uncertain significance (1); Likely benign (1). Last evaluated 2025-01-11.

Conditions:
Severe combined immunodeficiency due to DNA-PKcs deficiency. Also called: Immunodeficiency 26 with or without neurologic abnormalities; IMMUNODEFICIENCY 26 WITH NEUROLOGIC ABNORMALITIES. Identifiers: Orphanet 317425, MedGen C4014833, MONDO:0014423, OMIM 615966.

Allele frequency attached by ClinVar (database versions not stated): gnomAD 0.00001; gnomAD exomes 0.00001; TOPMed 0.00001.
gnomAD v4.1: 10 of 1,584,584 alleles (0.00063%); highest among the groups gnomAD compares: Middle Eastern, 0.017%; no homozygotes.

Submissions (2):

Labcorp Genetics (formerly Invitae), Labcorp
Classification: Likely benign for Severe combined immunodeficiency due to DNA-PKcs deficiency. Last evaluated: 2025-01-11. Review status: criteria provided, single submitter. Criteria: Invitae Variant Classification Sherloc (09022015). Collection method: clinical testing. Allele origin: germline.

Baylor Genetics
Classification: Uncertain significance for Severe combined immunodeficiency due to DNA-PKcs deficiency. Last evaluated: 2018-06-30. Review status: criteria provided, single submitter. Criteria: ACMG Guidelines, 2015. Collection method: clinical testing. Allele origin: paternal. Affected: yes.
Comment: This variant was determined to be of uncertain significance according to ACMG Guidelines, 2015 [PMID:25741868].

NM_006904.7(PRKDC):c.7371C>T (p.Pro2457=)

Gene: PRKDC (protein kinase, DNA-activated, catalytic subunit; minus strand). Cytogenetic location: 8q11.21.
Variant type: single nucleotide variant.
Coding change: c.7371C>T on transcript NM_006904.7 (MANE Select); coding-DNA position 7371, C replaced by T.
Protein change: p.Pro2457=; no amino-acid change (proline 2457 retained).
Molecular consequence: synonymous variant.
Genome position (GRCh38, 1-based): chr8:47,840,099, G>A on the plus strand (C>T on the coding strand, the complement: PRKDC is on the minus strand). VCF-style: chr8-47840099-G-A. GRCh37 (hg19) VCF-style: chr8-48752660-G-A.
Other names: c.7371C>T, p.Pro2457= (NM_001081640.2).
Identifiers: ClinVar variation 1033164 (VCV001033164.11), dbSNP rs1037182844, ClinGen allele CA460605146.